The following is an entry in ClinVar:

NM_000138.5(FBN1):c.2167+3A>G

Gene: FBN1 (fibrillin 1; minus strand). Cytogenetic location: 15q21.1.
Variant type: single nucleotide variant.
Coding change: c.2167+3A>G on transcript NM_000138.5 (MANE Select); 3 bases into the intron after coding-DNA position 2167, A replaced by G.
Molecular consequence: intron variant.
Genome position (GRCh38, 1-based): chr15:48,498,982, T>C on the plus strand (A>G on the coding strand, the complement: FBN1 is on the minus strand). VCF-style: chr15-48498982-T-C. GRCh37 (hg19) VCF-style: chr15-48791179-T-C.
Other names: c.2167+3A>G (NM_001406716.1).
Identifiers: ClinVar variation 4758276 (VCV004758276.1).
Genomic context (GRCh38, chr15:48,498,982, plus strand): 5'-CAAGAAAGCCTGATGCTGCCTCTGCACATACTGAAGGTAGTAAATTTTGAAAGGAATCCT[T>C]ACCACTGCCTGCTGACGTCATTCCTGGCCCACTGCTGCAGAGTGCCTGATATTCCGCTGC-3'

ClinVar aggregate classification (germline): Uncertain significance (1 of 4 stars; one submission).

Conditions:
Familial thoracic aortic aneurysm and aortic dissection (TAAD). Also called: Thoracic aortic aneurysms and dissections. Identifiers: Orphanet 91387, MedGen C4707243, MONDO:0019625.

Submission:

Color Diagnostics, LLC DBA Color Health
Classification: Uncertain significance for Familial thoracic aortic aneurysm and aortic dissection. Last evaluated: 2025-11-05. Review status: criteria provided, single submitter. Criteria: ACMG Guidelines, 2015. Collection method: clinical testing. Allele origin: germline.
Comment: This variant causes an A to G nucleotide substitution at the +3 position of intron 18 of the FBN1 gene. To our knowledge, functional studies have not been reported for this variant. This variant has not been reported in individuals affected with FBN1-related disorders in the literature. This variant has not been identified in the general population by the Genome Aggregation Database (gnomAD). The available evidence is insufficient to determine the role of this variant in disease conclusively. Therefore, this variant is classified as a Variant of Uncertain Significance.